The following is an entry in ClinVar:

ClinVar aggregate classification (germline): Uncertain significance (1 of 4 stars; one submission).

Submission:

GeneDx
Classification: Uncertain significance. Last evaluated: 2023-03-03. Review status: criteria provided, single submitter. Criteria: GeneDx Variant Classification Process June 2021. Collection method: clinical testing. Allele origin: germline. Affected: yes.
Comment: Not observed at significant frequency in large population cohorts (gnomAD); In silico analysis supports that this missense variant has a deleterious effect on protein structure/function; Has not been previously published as pathogenic or benign to our knowledge

NM_002047.4(GARS1):c.1945G>C (p.Asp649His)

Gene: GARS1 (glycyl-tRNA synthetase 1; plus strand). Cytogenetic location: 7p14.3.
Variant type: single nucleotide variant.
Coding change: c.1945G>C on transcript NM_002047.4 (MANE Select); coding-DNA position 1945, G replaced by C.
Protein change: p.Asp649His; replaces aspartic acid 649 with histidine.
Molecular consequence: missense variant.
Genome position (GRCh38, 1-based): chr7:30,632,288, G>C. VCF-style: chr7-30632288-G-C. GRCh37 (hg19) VCF-style: chr7-30671904-G-C.
Other names: c.1783G>C, p.Asp595His (NM_001316772.1); short protein forms D595H, D649H.
Identifiers: ClinVar variation 2429718 (VCV002429718.2), dbSNP rs775471710, ClinGen allele CA367130419.
Genomic context (GRCh38, chr7:30,632,288, plus strand): 5'-CTTTGTTTATTTTGGATAGCGGAAGCCCTGACCAGGCATGGAGTATCTCACAAAGTAGAC[G>C]ATTCCTCTGGGTCAATCGGAAGGCGCTATGCCAGGACTGATGAGATTGGCGTGGCTTTTG-3'
Protein context (NP_002038.2, residues 639-659): TRHGVSHKVD[Asp649His]SSGSIGRRYA